The following is an entry in ClinVar:

NM_138393.4(REEP6):c.432C>G (p.Phe144Leu)

Gene: REEP6 (receptor accessory protein 6; plus strand). Cytogenetic location: 19p13.3.
Variant type: single nucleotide variant.
Coding change: c.432C>G on transcript NM_138393.4 (MANE Select); coding-DNA position 432, C replaced by G.
Protein change: p.Phe144Leu; replaces phenylalanine 144 with leucine.
Molecular consequence: missense variant.
Genome position (GRCh38, 1-based): chr19:1,496,368, C>G. VCF-style: chr19-1496368-C-G. GRCh37 (hg19) VCF-style: chr19-1496367-C-G.
Other names: c.432C>G, p.Phe144Leu (NM_001329556.3); short protein forms F144L.
Identifiers: ClinVar variation 842902 (VCV000842902.10), dbSNP rs150074762, ClinGen allele CA9047571.
Genomic context (GRCh38, chr19:1,496,368, plus strand): 5'-GGCTCCCAGGCCCTGGAACGGGGCTCTCATGCTGTATCAGCGCGTCGTGCGTCCGCTGTT[C>G]CTAAGGCACCACGGGGCCGTAGACAGAATCATGAACGACCTCAGCGGGCGAGCCCTGGAC-3'
Protein context (NP_612402.1, residues 134-154): MLYQRVVRPL[Phe144Leu]LRHHGAVDRI

ClinVar aggregate classification (germline): Conflicting classifications of pathogenicity. Review status: criteria provided, conflicting classifications (1 of 4 stars). 2 submissions from 2 submitters: Likely pathogenic (1); Uncertain significance (1). Last evaluated 2025-01-15.

Conditions:
REEP6-related disorder. Also called: REEP6-related condition.

Allele frequency attached by ClinVar (database versions not stated): gnomAD 0.00001; gnomAD exomes 0.00001; TOPMed 0.00001; ExAC 0.00002; ESP Exome Variant Server 0.00008.
gnomAD v4.1: 40 of 1,613,114 alleles (0.0025%); highest among the groups gnomAD compares: Non-Finnish European, 0.0032%; no homozygotes.

Submissions (2):

Labcorp Genetics (formerly Invitae), Labcorp
Classification: Uncertain significance. Last evaluated: 2025-01-15. Review status: criteria provided, single submitter. Criteria: Invitae Variant Classification Sherloc (09022015). Collection method: clinical testing. Allele origin: germline.
Comment: This sequence change replaces phenylalanine, which is neutral and non-polar, with leucine, which is neutral and non-polar, at codon 144 of the REEP6 protein (p.Phe144Leu). This variant is present in population databases (rs150074762, gnomAD 0.003%). This missense change has been observed in individual(s) with clinical features of REEP6-related conditions (internal data). ClinVar contains an entry for this variant (Variation ID: 842902). Experimental studies and prediction algorithms are not available or were not evaluated, and the functional significance of this variant is currently unknown. In summary, the available evidence is currently insufficient to determine the role of this variant in disease. Therefore, it has been classified as a Variant of Uncertain Significance.

Blueprint Genetics
Classification: Likely pathogenic for REEP6-related disorders. Last evaluated: 2023-02-20. Review status: criteria provided, single submitter. Criteria: ACMG Guidelines, 2015. Collection method: clinical testing. Allele origin: germline. Affected: yes. Observed: 2 variant alleles.